The following is an entry in ClinVar:

ClinVar aggregate classification (germline): Benign/Likely benign. Review status: criteria provided, multiple submitters, no conflicts (2 of 4 stars). 3 submissions from 3 submitters: Benign (1); Likely benign (2). Last evaluated 2025-06-18.

Conditions:
Hereditary cancer-predisposing syndrome. Also called: Hereditary Cancer Syndrome; Tumor predisposition; Neoplastic Syndromes, Hereditary; Hereditary neoplastic syndrome. Identifiers: Orphanet 140162, MedGen C0027672, MeSH D009386, MONDO:0015356.
Renal cell carcinoma. Identifiers: Orphanet 217071, MedGen C0007134, MeSH D002292, MONDO:0005086, HP:0005584.
Papillary renal cell carcinoma type 1 (RCCP1). Also called: RENAL CELL CARCINOMA, PAPILLARY, 1, SOMATIC; Renal adenocarcinoma; Renal cell carcinoma 1; Renal cell carcinoma, somatic. Identifiers: Orphanet 47044, MedGen C1336839, OMIM 605074, HP:0011797.

Allele frequency attached by ClinVar (database versions not stated): gnomAD exomes 0.00001; TOPMed 0.00001; ExAC 0.00002; ESP Exome Variant Server 0.00008.
gnomAD v4.1: 13 of 1,613,716 alleles (0.00081%); highest among the groups gnomAD compares: African/African-American, 0.008%; no homozygotes.

Submissions (3):

Labcorp Genetics (formerly Invitae), Labcorp
Classification: Likely benign for Renal cell carcinoma. Last evaluated: 2025-06-18. Review status: criteria provided, single submitter. Criteria: Invitae Variant Classification Sherloc (09022015). Collection method: clinical testing. Allele origin: germline.

Myriad Genetics, Inc.
Classification: Benign for Papillary renal cell carcinoma type 1. Last evaluated: 2024-11-08. Review status: criteria provided, single submitter. Criteria: Myriad Autosomal Dominant, Autosomal Recessive and X-Linked Classification Criteria (2023). Collection method: clinical testing. Allele origin: unknown.
Comment: This variant is considered benign. This variant is a silent/synonymous amino acid change and it is not expected to impact splicing.

Ambry Genetics
Classification: Likely benign for Hereditary cancer-predisposing syndrome. Last evaluated: 2018-02-20. Review status: criteria provided, single submitter. Criteria: Ambry Variant Classification Scheme 2023. Collection method: clinical testing. Allele origin: germline.

NM_000245.4(MET):c.2191C>A (p.Arg731=)

Gene: MET (MET proto-oncogene, receptor tyrosine kinase; plus strand). Cytogenetic location: 7q31.2.
Variant type: single nucleotide variant.
Coding change: c.2191C>A on transcript NM_000245.4 (MANE Select); coding-DNA position 2191, C replaced by A.
Protein change: p.Arg731=; no amino-acid change (arginine 731 retained).
Molecular consequence: synonymous variant.
Genome position (GRCh38, 1-based): chr7:116,758,547, C>A. VCF-style: chr7-116758547-C-A. GRCh37 (hg19) VCF-style: chr7-116398601-C-A.
Other names: c.2191C>A, p.Arg731= (NM_001127500.3, NM_001324401.3); c.901C>A, p.Arg301= (NM_001324402.2).
Identifiers: ClinVar variation 702932 (VCV000702932.14), dbSNP rs377336878, ClinGen allele CA4448421.